The following is an entry in ClinVar:

NM_006231.4(POLE):c.1715A>G (p.Gln572Arg)

Gene: POLE (DNA polymerase epsilon, catalytic subunit; minus strand). Cytogenetic location: 12q24.33.
Variant type: single nucleotide variant.
Coding change: c.1715A>G on transcript NM_006231.4 (MANE Select); coding-DNA position 1715, A replaced by G.
Protein change: p.Gln572Arg; replaces glutamine 572 with arginine.
Molecular consequence: missense variant.
Genome position (GRCh38, 1-based): chr12:132,672,294, T>C on the plus strand (A>G on the coding strand, the complement: POLE is on the minus strand). VCF-style: chr12-132672294-T-C. GRCh37 (hg19) VCF-style: chr12-133248880-T-C.
Other names: c.1715A>G (NM_006231.2); short protein forms Q572R.
Identifiers: ClinVar variation 934529 (VCV000934529.10), dbSNP rs1555228139, ClinGen allele CA387356370.

ClinVar aggregate classification (germline): Uncertain significance. Review status: criteria provided, multiple submitters, no conflicts (2 of 4 stars). 2 submissions from 2 submitters: Uncertain significance (2). Last evaluated 2025-10-23.

Conditions:
Hereditary cancer-predisposing syndrome. Also called: Neoplastic Syndromes, Hereditary; Hereditary Cancer Syndrome; Hereditary neoplastic syndrome; Tumor predisposition. Identifiers: Orphanet 140162, MedGen C0027672, MeSH D009386, MONDO:0015356.

Submissions (2):

Ambry Genetics
Classification: Uncertain significance for Hereditary cancer-predisposing syndrome. Last evaluated: 2025-10-23. Review status: criteria provided, single submitter. Criteria: Ambry Variant Classification Scheme 2023. Collection method: clinical testing. Allele origin: germline.
Comment: The p.Q572R variant (also known as c.1715A>G), located in coding exon 16 of the POLE gene, results from an A to G substitution at nucleotide position 1715. The glutamine at codon 572 is replaced by arginine, an amino acid with highly similar properties. This amino acid position is conserved. In addition, this alteration is predicted to be tolerated by in silico analysis. Based on the available evidence, the clinical significance of this variant remains unclear.

Labcorp Genetics (formerly Invitae), Labcorp
Classification: Uncertain significance. Last evaluated: 2024-03-06. Review status: criteria provided, single submitter. Criteria: Invitae Variant Classification Sherloc (09022015). Collection method: clinical testing. Allele origin: germline.
Comment: This sequence change replaces glutamine, which is neutral and polar, with arginine, which is basic and polar, at codon 572 of the POLE protein (p.Gln572Arg). This variant is not present in population databases (gnomAD no frequency). This variant has not been reported in the literature in individuals affected with POLE-related conditions. ClinVar contains an entry for this variant (Variation ID: 934529). Advanced modeling of protein sequence and biophysical properties (such as structural, functional, and spatial information, amino acid conservation, physicochemical variation, residue mobility, and thermodynamic stability) performed at Invitae indicates that this missense variant is not expected to disrupt POLE protein function with a negative predictive value of 80%. In summary, the available evidence is currently insufficient to determine the role of this variant in disease. Therefore, it has been classified as a Variant of Uncertain Significance.